The following is an entry in ClinVar:

ClinVar aggregate classification (germline): Likely pathogenic (1 of 4 stars; one submission).

Conditions:
Genitopatellar syndrome (GTPTS). Also called: Genitopatellar syndrome (GPS); ABSENT PATELLAE, SCROTAL HYPOPLASIA, RENAL ANOMALIES, FACIAL DYSMORPHISM, AND MENTAL RETARDATION. Identifiers: Orphanet 85201, MedGen C1853566, MONDO:0011640, OMIM 606170.

Submission:

Labcorp Genetics (formerly Invitae), Labcorp
Classification: Likely pathogenic for Genitopatellar syndrome. Last evaluated: 2024-10-16. Review status: criteria provided, single submitter. Criteria: Invitae Variant Classification Sherloc (09022015). Collection method: clinical testing. Allele origin: germline.
Comment: This sequence change affects an acceptor splice site in intron 15 of the KAT6B gene. It is expected to disrupt RNA splicing. Variants that disrupt the donor or acceptor splice site typically lead to a loss of protein function (PMID: 16199547), and loss-of-function variants in KAT6B are known to be pathogenic (PMID: 22077973, 23436491, 25424711). This variant is not present in population databases (gnomAD no frequency). This variant has not been reported in the literature in individuals affected with KAT6B-related conditions. Algorithms developed to predict the effect of sequence changes on RNA splicing suggest that this variant may disrupt the consensus splice site. In summary, the currently available evidence indicates that the variant is pathogenic, but additional data are needed to prove that conclusively. Therefore, this variant has been classified as Likely Pathogenic.

Literature cited by the submitters: PubMed 16199547; PubMed 22077973; PubMed 23436491; PubMed 25424711.

NM_012330.4(KAT6B):c.3022-1G>C

Gene: KAT6B (lysine acetyltransferase 6B; plus strand). Cytogenetic location: 10q22.2.
Variant type: single nucleotide variant.
Coding change: c.3022-1G>C on transcript NM_012330.4 (MANE Select); the canonical splice acceptor site of the intron before coding-DNA position 3022, G replaced by C.
Molecular consequence: splice acceptor variant.
Genome position (GRCh38, 1-based): chr10:75,021,880, G>C. VCF-style: chr10-75021880-G-C. GRCh37 (hg19) VCF-style: chr10-76781638-G-C.
Other names: c.2146-1G>C (NM_001370139.1, NM_001370140.1, NM_001370141.1 and 2 more transcripts); c.3022-1G>C (NM_001370136.1, NM_001370137.1); c.2473-1G>C (NM_001370138.1, NM_001256468.2); c.1333-1G>C (NM_001370133.1); c.937-1G>C (NM_001370134.1); c.1957-1G>C (NM_001370143.1, NM_001370144.1); c.1984-1G>C (NM_001370132.1); c.679-1G>C (NM_001370135.1).
Identifiers: ClinVar variation 2842661 (VCV002842661.3), dbSNP rs1845433207, ClinGen allele CA377282966.